The following is an entry in ClinVar:

ClinVar aggregate classification (germline): Uncertain significance (1 of 4 stars; one submission).

Conditions:
Inborn genetic diseases. Identifiers: MedGen C0950123, MeSH D030342.

Submission:

Ambry Genetics
Classification: Uncertain significance for Inborn genetic diseases. Last evaluated: 2025-01-17. Review status: criteria provided, single submitter. Criteria: Ambry Variant Classification Scheme 2023. Collection method: clinical testing. Allele origin: germline.
Comment: The p.P585T variant (also known as c.1753C>A), located in coding exon 19 of the FANCA gene, results from a C to A substitution at nucleotide position 1753. The proline at codon 585 is replaced by threonine, an amino acid with highly similar properties. This amino acid position is conserved. In addition, this alteration is predicted to be deleterious by in silico analysis. Based on the available evidence, the clinical significance of this variant remains unclear.

NM_000135.4(FANCA):c.1753C>A (p.Pro585Thr)

Gene: FANCA (FA complementation group A; minus strand). Cytogenetic location: 16q24.3.
Variant type: single nucleotide variant.
Coding change: c.1753C>A on transcript NM_000135.4 (MANE Select); coding-DNA position 1753, C replaced by A.
Protein change: p.Pro585Thr; replaces proline 585 with threonine.
Molecular consequence: missense variant.
Genome position (GRCh38, 1-based): chr16:89,778,966, G>T on the plus strand (C>A on the coding strand, the complement: FANCA is on the minus strand). VCF-style: chr16-89778966-G-T. GRCh37 (hg19) VCF-style: chr16-89845374-G-T.
Other names: c.1753C>A, p.Pro585Thr (NM_001286167.3); short protein forms P585T.
Identifiers: ClinVar variation 3848121 (VCV003848121.1).
Genomic context (GRCh38, chr16:89,778,966, plus strand): 5'-CACAACTGGTCACAAACTCATGGAGACGCATACTGACCACTCGAGGTGTGAGCAGGGCGG[G>T]GAGGAAGTGGGACACGTAGTAAGGCCTCCTGAATATGCTGCAACACAGAGAAGCAGACAG-3'
Protein context (NP_000126.2, residues 575-595): RRPYYVSHFL[Pro585Thr]ALLTPRVLPK